The following is an entry in ClinVar:

NM_005733.3(KIF20A):c.1967A>G (p.Gln656Arg)

Gene: KIF20A (kinesin family member 20A; plus strand). Cytogenetic location: 5q31.2.
Variant type: single nucleotide variant.
Coding change: c.1967A>G on transcript NM_005733.3 (MANE Select); coding-DNA position 1967, A replaced by G.
Protein change: p.Gln656Arg; replaces glutamine 656 with arginine.
Molecular consequence: missense variant.
Genome position (GRCh38, 1-based): chr5:138,185,552, A>G. VCF-style: chr5-138185552-A-G. GRCh37 (hg19) VCF-style: chr5-137521241-A-G.
Other names: c.1967A>G (NM_005733.2); short protein forms Q656R.
Identifiers: ClinVar variation 1645171 (VCV001645171.10), dbSNP rs142562832, ClinGen allele CA3426775.

ClinVar aggregate classification (germline): Likely benign. Review status: criteria provided, single submitter (1 of 4 stars). 2 submissions from 2 submitters: Likely benign (1). 1 of the submissions does not count toward it. Last evaluated 2026-01-21.

Conditions:
KIF20A-related disorder. Also called: KIF20A-related condition.

Allele frequency attached by ClinVar (database versions not stated): 1000 Genomes Project 30x 0.00016; 1000 Genomes Project 0.00020; ESP Exome Variant Server 0.00108; TOPMed 0.00116; gnomAD exomes 0.00132 and 0.00142; gnomAD 0.00143 and 0.00145; ExAC 0.00144.
gnomAD v4.1: 2,266 of 1,613,998 alleles (0.14%); highest among the groups gnomAD compares: Non-Finnish European, 0.17%; 6 homozygotes.

Submissions (2):

Labcorp Genetics (formerly Invitae), Labcorp
Classification: Likely benign. Last evaluated: 2026-01-21. Review status: criteria provided, single submitter. Criteria: Invitae Variant Classification Sherloc (09022015). Collection method: clinical testing. Allele origin: germline.

PreventionGenetics, part of Exact Sciences
Classification: Likely benign for KIF20A-related condition. Last evaluated: 2023-08-30. Review status: no assertion criteria provided. Collection method: clinical testing. Allele origin: germline. Not counted in ClinVar's aggregate classification.
Comment: This variant is classified as likely benign based on ACMG/AMP sequence variant interpretation guidelines (Richards et al. 2015 PMID: 25741868, with internal and published modifications).